The following is an entry in ClinVar:

ClinVar aggregate classification (germline): Uncertain significance (1 of 4 stars; one submission).

Submission:

Labcorp Genetics (formerly Invitae), Labcorp
Classification: Uncertain significance. Last evaluated: 2024-07-02. Review status: criteria provided, single submitter. Criteria: Invitae Variant Classification Sherloc (09022015). Collection method: clinical testing. Allele origin: germline.
Comment: This sequence change replaces methionine, which is neutral and non-polar, with isoleucine, which is neutral and non-polar, at codon 117 of the MS4A1 protein (p.Met117Ile). This variant is not present in population databases (gnomAD no frequency). This variant has not been reported in the literature in individuals affected with MS4A1-related conditions. Algorithms developed to predict the effect of missense changes on protein structure and function output the following: SIFT: "Not Available"; PolyPhen-2: "Benign"; Align-GVGD: "Not Available". The isoleucine amino acid residue is found in multiple mammalian species, which suggests that this missense change does not adversely affect protein function. In summary, the available evidence is currently insufficient to determine the role of this variant in disease. Therefore, it has been classified as a Variant of Uncertain Significance.

NM_152866.3(MS4A1):c.351G>T (p.Met117Ile)

Gene: MS4A1 (membrane spanning 4-domains A1; plus strand). Cytogenetic location: 11q12.2.
Variant type: single nucleotide variant.
Coding change: c.351G>T on transcript NM_152866.3 (MANE Select); coding-DNA position 351, G replaced by T.
Protein change: p.Met117Ile; replaces methionine 117 with isoleucine.
Molecular consequence: missense variant.
Genome position (GRCh38, 1-based): chr11:60,465,935, G>T. VCF-style: chr11-60465935-G-T. GRCh37 (hg19) VCF-style: chr11-60233408-G-T.
Other names: c.351G>T, p.Met117Ile (NM_021950.4, NM_152867.2); short protein forms M117I.
Identifiers: ClinVar variation 3623109 (VCV003623109.1).
Genomic context (GRCh38, chr11:60,465,935, plus strand): 5'-CAAAGGGAAATCAAACCCAATTAATAAATCTGTGTCTCCATTTCAGGTCAAAGGAAAAAT[G>T]ATAATGAATTCATTGAGCCTCTTTGCTGCCATTTCTGGAATGATTCTTTCAATCATGGAC-3'
Protein context (NP_690605.1, residues 107-127): NSRKCLVKGK[Met117Ile]IMNSLSLFAA